The following is an entry in ClinVar:

NM_006013.5(RPL10):c.95G>T (p.Arg32Leu)

Gene: RPL10 (ribosomal protein L10; plus strand). Cytogenetic location: Xq28.
Variant type: single nucleotide variant.
Coding change: c.95G>T on transcript NM_006013.5 (MANE Select); coding-DNA position 95, G replaced by T.
Protein change: p.Arg32Leu; replaces arginine 32 with leucine.
Molecular consequence: missense variant. On other transcripts: intron variant (1).
Genome position (GRCh38, 1-based): chrX:154,399,499, G>T. VCF-style: chrX-154399499-G-T. GRCh37 (hg19) VCF-style: chrX-153627840-G-T.
Other names: c.95G>T, p.Arg32Leu (NM_001256577.2, NM_001303624.2, NM_001303625.1 and 1 more transcripts); c.82+103G>T (NM_001256580.2); c.95G>T (NM_006013.3); short protein forms R32L.
Identifiers: ClinVar variation 4681737 (VCV004681737.6).
Genomic context (GRCh38, chrX:154,399,499, plus strand): 5'-TCCGCGTCCGTCTGTGACACCCCCTGCACACTTACCCAATCCTTTTAGATGCCAAGATTC[G>T]CATTTTTGACCTGGGGCGGAAAAAGGCAAAAGTGGATGAGTTTCCGCTTTGTGGCCACAT-3'
Protein context (NP_006004.3, residues 22-42): FCRGVPDAKI[Arg32Leu]IFDLGRKKAK

ClinVar aggregate classification (germline): Likely pathogenic. Review status: criteria provided, multiple submitters, no conflicts (2 of 4 stars). 2 submissions from 2 submitters: Likely pathogenic (2). Last evaluated 2026-08-01.

Submissions (2):

CeGaT Center for Human Genetics Tuebingen
Classification: Likely pathogenic. Last evaluated: 2026-08-01. Review status: criteria provided, single submitter. Criteria: CeGaT Center For Human Genetics Tuebingen Variant Classification Criteria Version 2. Collection method: clinical testing. Allele origin: germline. Affected: yes. Observed: 2 variant alleles.
Comment: RPL10: PM1, PM2, PS4:Moderate, PP2, PP3

GeneDx
Classification: Likely pathogenic. Last evaluated: 2026-01-28. Review status: criteria provided, single submitter. Criteria: GeneDx Variant Classification Process June 2021. Collection method: clinical testing. Allele origin: germline.
Comment: Not observed at significant frequency in large population cohorts (gnomAD); In silico analysis supports that this missense variant has a deleterious effect on protein structure/function; This variant is associated with the following publications: (PMID: 35876338)